The following is an entry in ClinVar:

NM_000038.6(APC):c.191G>A (p.Gly64Glu)

Gene: APC (APC regulator of Wnt signaling pathway; plus strand). Cytogenetic location: 5q22.2.
Variant type: single nucleotide variant.
Coding change: c.191G>A on transcript NM_000038.6 (MANE Select); coding-DNA position 191, G replaced by A.
Protein change: p.Gly64Glu; replaces glycine 64 with glutamic acid.
Molecular consequence: missense variant. On other transcripts: 5 prime UTR variant (1).
Genome position (GRCh38, 1-based): chr5:112,766,381, G>A. VCF-style: chr5-112766381-G-A. GRCh37 (hg19) VCF-style: chr5-112102078-G-A.
Other names: c.191G>A, p.Gly64Glu (NM_001127510.3, NM_001354895.2, NM_001354896.2 and 2 more transcripts); c.221G>A, p.Gly74Glu (NM_001127511.3, NM_001354897.2, NM_001354902.2); c.116G>A, p.Gly39Glu (NM_001354898.2, NM_001354904.2); c.14G>A, p.Gly5Glu (NM_001354900.2, NM_001354901.2, NM_001354905.2); c.-845G>A (NM_001354906.2); short protein forms G64E, G74E, G39E, G5E.
Identifiers: ClinVar variation 236566 (VCV000236566.9), dbSNP rs878853421, ClinGen allele CA10582273.

ClinVar aggregate classification (germline): Uncertain significance (1 of 4 stars; one submission).

Conditions:
Familial adenomatous polyposis 1 (FAP1). Also called: FAMILIAL ADENOMATOUS POLYPOSIS 1, ATTENUATED; POLYPOSIS, ADENOMATOUS INTESTINAL. Identifiers: MedGen C2713442, MONDO:0021056, OMIM 175100. Disease mechanism: loss of function.

Submission:

Labcorp Genetics (formerly Invitae), Labcorp
Classification: Uncertain significance for Familial adenomatous polyposis 1. Last evaluated: 2015-12-16. Review status: criteria provided, single submitter. Criteria: Invitae Variant Classification Sherloc (09022015). Collection method: clinical testing. Allele origin: germline.
Comment: This sequence change replaces glycine with glutamic acid at codon 64 of the APC protein (p.Gly64Glu). The glycine residue is highly conserved and there is a moderate physicochemical difference between glycine and glutamic acid. In summary, this is a novel missense change with uncertain impact on protein function. It has been classified as a Variant of Uncertain Significance. Algorithms developed to predict the effect of missense changes on protein structure and function do not agree on the potential impact of this missense change (SIFT: "Tolerated"; PolyPhen-2: "Probably Damaging"; Align-GVGD: "Class C25"). This variant is not present in population databases (ExAC no frequency) and has not been reported in the literature in individuals with a APC-related disease.